The following is an entry in ClinVar:

NM_031407.7(HUWE1):c.4824+3G>A

Gene: HUWE1 (HECT, UBA and WWE domain containing E3 ubiquitin protein ligase 1; minus strand). Cytogenetic location: Xp11.22.
Variant type: single nucleotide variant.
Coding change: c.4824+3G>A on transcript NM_031407.7 (MANE Select); 3 bases into the intron after coding-DNA position 4824, G replaced by A.
Molecular consequence: intron variant.
Genome position (GRCh38, 1-based): chrX:53,586,487, C>T on the plus strand (G>A on the coding strand, the complement: HUWE1 is on the minus strand). VCF-style: chrX-53586487-C-T. GRCh37 (hg19) VCF-style: chrX-53613447-C-T.
Identifiers: ClinVar variation 589325 (VCV000589325.5), dbSNP rs1168856558, ClinGen allele CA876300174.

ClinVar aggregate classification (germline): Uncertain significance (1 of 4 stars; one submission).

Conditions:
Inborn genetic diseases. Identifiers: MedGen C0950123, MeSH D030342.

Allele frequency attached by ClinVar (database versions not stated): TOPMed 0.00002; gnomAD 0.00003.
gnomAD v4.1: 3 of 1,184,261 alleles (0.00025%); highest among the groups gnomAD compares: African/African-American, 0.0053%; no homozygotes.

Submission:

Ambry Genetics
Classification: Uncertain significance for Inborn genetic diseases. Last evaluated: 2016-07-08. Review status: criteria provided, single submitter. Criteria: Ambry Variant Classification Scheme 2023. Collection method: clinical testing. Allele origin: germline.
Comment: The c.4824+3G>A intronic variant results from a G to A substitution 3 nucleotides after coding exon 36 in the HUWE1 gene. This variant was not reported in population based cohorts in the following databases: Database of Single Nucleotide Polymorphisms (dbSNP), NHLBI Exome Sequencing Project (ESP), and 1000 Genomes Project. In the ESP, this variant was not observed in 6503 samples with coverage at this position. This nucleotide position is poorly conserved in available vertebrate species. Using the BDGP and ESEfinder splice site prediction tools, this alteration is not predicted to have any significant effect on this splice donor site; however, direct evidence is unavailable. Since supporting evidence is limited at this time, the clinical significance of this variant remains unclear.